The following is an entry in ClinVar:

NM_001358530.2(MOCS1):c.164C>T (p.Ala55Val)

Gene: MOCS1 (molybdenum cofactor synthesis 1; minus strand). Cytogenetic location: 6p21.2.
Variant type: single nucleotide variant.
Coding change: c.164C>T on transcript NM_001358530.2 (MANE Select); coding-DNA position 164, C replaced by T.
Protein change: p.Ala55Val; replaces alanine 55 with valine.
Molecular consequence: missense variant. On other transcripts: 5 prime UTR variant (1), intron variant (2).
Genome position (GRCh38, 1-based): chr6:39,927,415, G>A on the plus strand (C>T on the coding strand, the complement: MOCS1 is on the minus strand). VCF-style: chr6-39927415-G-A. GRCh37 (hg19) VCF-style: chr6-39895154-G-A.
Other names: c.164C>T, p.Ala55Val (NM_001075098.4, NM_001358529.2, NM_005943.6); c.-98C>T (NM_001358534.2); c.-11-1570C>T (NM_001358531.2, NM_001358533.2); c.164C>T (NM_005943.5); short protein forms A55V.
Identifiers: ClinVar variation 1423421 (VCV001423421.6), dbSNP rs1045854458, ClinGen allele CA137655369.

ClinVar aggregate classification (germline): Uncertain significance. Review status: criteria provided, multiple submitters, no conflicts (2 of 4 stars). 2 submissions from 2 submitters: Uncertain significance (2). Last evaluated 2024-02-01.

Conditions:
Sulfite oxidase deficiency due to molybdenum cofactor deficiency type A. Also called: Molybdenum Cofactor Deficiency A; Molybdenum cofactor deficiency, complementation group A. Identifiers: Orphanet 308386, Orphanet 833, MedGen C1854988, MONDO:0009643, OMIM 252150.

Allele frequency attached by ClinVar (database versions not stated): gnomAD 0.00001; gnomAD exomes 0.00001; TOPMed 0.00003.
gnomAD v4.1: 7 of 1,612,610 alleles (0.00043%); highest among the groups gnomAD compares: African/African-American, 0.0093%; no homozygotes.

Submissions (2):

Fulgent Genetics
Classification: Uncertain significance for Sulfite oxidase deficiency due to molybdenum cofactor deficiency type A. Last evaluated: 2024-02-01. Review status: criteria provided, single submitter. Criteria: ACMG Guidelines, 2015. Collection method: clinical testing. Allele origin: germline.

Labcorp Genetics (formerly Invitae), Labcorp
Classification: Uncertain significance for Sulfite oxidase deficiency due to molybdenum cofactor deficiency type A. Last evaluated: 2022-07-12. Review status: criteria provided, single submitter. Criteria: Invitae Variant Classification Sherloc (09022015). Collection method: clinical testing. Allele origin: germline.
Comment: This sequence change replaces alanine, which is neutral and non-polar, with valine, which is neutral and non-polar, at codon 55 of the MOCS1 protein (p.Ala55Val). This variant is not present in population databases (gnomAD no frequency). This variant has not been reported in the literature in individuals affected with MOCS1-related conditions. ClinVar contains an entry for this variant (Variation ID: 1423421). Algorithms developed to predict the effect of missense changes on protein structure and function output the following: SIFT: "Not Available"; PolyPhen-2: "Benign"; Align-GVGD: "Not Available". The valine amino acid residue is found in multiple mammalian species, which suggests that this missense change does not adversely affect protein function. In summary, the available evidence is currently insufficient to determine the role of this variant in disease. Therefore, it has been classified as a Variant of Uncertain Significance.